The following is an entry in ClinVar:

NM_000350.3(ABCA4):c.3682G>T (p.Glu1228Ter)

Genes: ABCA4 (ATP binding cassette subfamily A member 4; minus strand), LOC126805794 (BRD4-independent group 4 enhancer GRCh37_chr1:94502188-94503387; plus strand). Cytogenetic location: 1p22.1.
Variant type: single nucleotide variant.
Coding change: c.3682G>T on transcript NM_000350.3 (MANE Select); coding-DNA position 3682, G replaced by T.
Protein change: p.Glu1228Ter; replaces glutamic acid 1228 with a stop codon.
Molecular consequence: nonsense.
Genome position (GRCh38, 1-based): chr1:94,037,276, C>A on the plus strand (G>T on the coding strand, the complement: ABCA4 is on the minus strand). VCF-style: chr1-94037276-C-A. GRCh37 (hg19) VCF-style: chr1-94502832-C-A.
Other names: c.3460G>T, p.Glu1154Ter (NM_001425324.1); short protein forms E1228*, E1154*.
Identifiers: ClinVar variation 372579 (VCV000372579.7), dbSNP rs1057517869, ClinGen allele CA16042373.

ClinVar aggregate classification (germline): Pathogenic/Likely pathogenic. Review status: criteria provided, multiple submitters, no conflicts (2 of 4 stars). 3 submissions from 3 submitters: Pathogenic (2); Likely pathogenic (1). Last evaluated 2022-11-24.

Conditions:
ABCA4-related disorder. Also called: ABCA4-related disorders; ABCA4-related condition. Identifiers: MedGen CN239167.

Submissions (3):

Labcorp Genetics (formerly Invitae), Labcorp
Classification: Pathogenic. Last evaluated: 2022-11-24. Review status: criteria provided, single submitter. Criteria: Invitae Variant Classification Sherloc (09022015). Collection method: clinical testing. Allele origin: germline.
Comment: This sequence change creates a premature translational stop signal (p.Glu1228*) in the ABCA4 gene. It is expected to result in an absent or disrupted protein product. Loss-of-function variants in ABCA4 are known to be pathogenic (PMID: 10958761, 24938718, 25312043, 26780318). This variant is not present in population databases (gnomAD no frequency). This premature translational stop signal has been observed in individual(s) with Stargardt disease. (PMID: 30060493). ClinVar contains an entry for this variant (Variation ID: 372579). Algorithms developed to predict the effect of sequence changes on RNA splicing suggest that this variant may create or strengthen a splice site. For these reasons, this variant has been classified as Pathogenic.

Blueprint Genetics
Classification: Likely pathogenic for ABCA4-related disorders. Last evaluated: 2021-09-27. Review status: criteria provided, single submitter. Criteria: ACMG Guidelines, 2015. Collection method: clinical testing. Allele origin: germline. Affected: yes. Observed: 2 variant alleles.

GeneDx
Classification: Pathogenic. Last evaluated: 2015-03-18. Review status: criteria provided, single submitter. Criteria: GeneDx Variant Classification (06012015). Collection method: clinical testing. Allele origin: germline. Affected: yes.
Comment: The E1228X nonsense variant in the ABCA4 gene is predicted to cause loss of normal protein function either through protein truncation or nonsense-mediated mRNA decay. The E1228X variant was notobserved in approximately 6,500 individuals of European and African American ancestry in the NHLBIExome Sequencing Project, indicating it is not a common benign variant in these populations. Although thisvariant has not been reported previously to our knowledge, we interpret it as pathogenic.

Literature cited by the submitters: PubMed 10958761 (cited by Labcorp Genetics (formerly Invitae), Labcorp); PubMed 24938718 (cited by Labcorp Genetics (formerly Invitae), Labcorp); PubMed 25312043 (cited by Labcorp Genetics (formerly Invitae), Labcorp); PubMed 26780318 (cited by Labcorp Genetics (formerly Invitae), Labcorp); PubMed 30060493 (cited by Labcorp Genetics (formerly Invitae), Labcorp).